The following is an entry in ClinVar:

ClinVar aggregate classification (germline): Likely pathogenic (1 of 4 stars; one submission).

Submission:

Labcorp Genetics (formerly Invitae), Labcorp
Classification: Likely pathogenic. Last evaluated: 2022-01-13. Review status: criteria provided, single submitter. Criteria: Invitae Variant Classification Sherloc (09022015). Collection method: clinical testing. Allele origin: germline.
Comment: This variant results in the deletion of part of exon 6 (c.631-1_634del) of the SZT2 gene. It is expected to disrupt RNA splicing. Variants that disrupt the donor or acceptor splice site typically lead to a loss of protein function (PMID: 16199547), and loss-of-function variants in SZT2 are known to be pathogenic (PMID: 23932106, 27248490, 28556953). This variant is not present in population databases (gnomAD no frequency). This variant has not been reported in the literature in individuals affected with SZT2-related conditions. Algorithms developed to predict the effect of sequence changes on RNA splicing suggest that this variant may disrupt the consensus splice site. In summary, the currently available evidence indicates that the variant is pathogenic, but additional data are needed to prove that conclusively. Therefore, this variant has been classified as Likely Pathogenic.

Literature cited by the submitters: PubMed 16199547; PubMed 23932106; PubMed 27248490; PubMed 28556953.

NM_001365999.1(SZT2):c.631-1_634del

Gene: SZT2 (SZT2 subunit of KICSTOR complex; plus strand). Cytogenetic location: 1p34.2.
Variant type: Deletion.
Coding change: c.631-1_634del on transcript NM_001365999.1 (MANE Select); the canonical splice acceptor site of the intron before coding-DNA position 631 through coding-DNA position 634, 5 bases deleted (GGCAG; older notation c.631-1_634delGGCAG).
Molecular consequence: splice acceptor variant.
Genome position (GRCh38, 1-based): chr1:43,415,959-43,415,963, GGCAG deleted. VCF-style (leftmost placement, unchanged base first): chr1-43415958-AGGCAG-A. GRCh37 (hg19) VCF-style: chr1-43881629-AGGCAG-A.
Other names: c.631-1_634del (NM_015284.4).
Identifiers: ClinVar variation 2081837 (VCV002081837.4), dbSNP rs2545793597, ClinGen allele CA2580062797.